The following is an entry in ClinVar:

NM_006180.6(NTRK2):c.1438G>A (p.Gly480Ser)

Gene: NTRK2 (neurotrophic receptor tyrosine kinase 2; plus strand). Cytogenetic location: 9q21.33.
Variant type: single nucleotide variant.
Coding change: c.1438G>A on transcript NM_006180.6 (MANE Select); coding-DNA position 1438, G replaced by A.
Protein change: p.Gly480Ser; replaces glycine 480 with serine.
Molecular consequence: missense variant. On other transcripts: intron variant (7).
Genome position (GRCh38, 1-based): chr9:84,861,081, G>A. VCF-style: chr9-84861081-G-A. GRCh37 (hg19) VCF-style: chr9-87475996-G-A.
Other names: c.1438G>A, p.Gly480Ser (NM_001018065.2, NM_001369537.1, NM_001381928.1); c.970G>A, p.Gly324Ser (NM_001369536.1); c.1397-6162G>A (NM_001369532.1, NM_001369533.1, NM_001018066.3 and 2 more transcripts); c.1361-6162G>A (NM_001369534.1); c.929-6162G>A (NM_001369535.1); c.1438G>A (NM_006180.3); short protein forms G324S, G480S.
Identifiers: ClinVar variation 1805145 (VCV001805145.2), dbSNP rs759119016, ClinGen allele CA374010533.
Genomic context (GRCh38, chr9:84,861,081, plus strand): 5'-GTTTTGTTGTGGTTTTCAGATTTCTCATGGTTTGGATTTGGGAAAGTAAAATCAAGACAA[G>A]GTGTTGGTAAGTAGTTAACTCACTCCTTCTTTGGATAAGTAATGAGTCTATGTTTTTATT-3'
Protein context (NP_006171.2, residues 470-490): FGFGKVKSRQ[Gly480Ser]VGPASVISND

ClinVar aggregate classification (germline): Uncertain significance. Review status: criteria provided, multiple submitters, no conflicts (2 of 4 stars). 2 submissions from 2 submitters: Uncertain significance (2). Last evaluated 2024-03-06.

Conditions:
Developmental and epileptic encephalopathy, 58. Also called: EPILEPTIC ENCEPHALOPATHY, EARLY INFANTILE, 58. Identifiers: MedGen C4693367, MONDO:0033367, OMIM 617830.

Allele frequency attached by ClinVar (database versions not stated): TOPMed below 0.00001.

Submissions (2):

GeneDx
Classification: Uncertain significance. Last evaluated: 2024-03-06. Review status: criteria provided, single submitter. Criteria: GeneDx Variant Classification Process June 2021. Collection method: clinical testing. Allele origin: germline. Affected: yes.
Comment: Not observed at significant frequency in large population cohorts (gnomAD); In silico analysis supports that this missense variant does not alter protein structure/function; Has not been previously published as pathogenic or benign to our knowledge

Victorian Clinical Genetics Services, Murdoch Childrens Research Institute
Classification: Uncertain significance for Developmental and epileptic encephalopathy, 58. Last evaluated: 2022-03-31. Review status: criteria provided, single submitter. Criteria: ACMG Guidelines, 2015. Collection method: clinical testing. Allele origin: germline. Inheritance: Autosomal dominant inheritance.
Comment: Based on the classification scheme VCGS_Germline_v1.3.4, this variant is classified as VUS-3A. Following criteria are met: 0102 - Loss of function is a known mechanism of disease in this gene and is associated with obesity, hyperphagia, and developmental delay (MIM#613886). The mechanism associated with developmental and epileptic encephalopathy 58 (MIM#617830) is unknown. (I) 0107 - This gene is associated with autosomal dominant disease. (I) 0200 - Variant is predicted to result in a missense amino acid change from glycine to serine. (I) 0219 - This variant is non-coding in an alternative transcript. This variant is non-coding in 6 of the 11 RefSeq transcripts, however it is coding in the MANE transcript and at least one other transcript that is expressed in the brain (UCSC, GTex). (I) 0251 - This variant is heterozygous. (I) 0301 - Variant is absent from gnomAD (both v2 and v3). (SP) 0309 - An alternative amino acid change at the same position has been observed in gnomAD (v3; 1 heterozygote, 0 homozygotes). (I) 0503 - Missense variant consistently predicted to be tolerated by multiple in silico tools or not conserved in placental mammals with a minor amino acid change. (SB) 0604 - Variant is not located in an established domain, motif, hotspot or informative constraint region. (I) 0705 - No comparable missense variants have previous evidence for pathogenicity. (I) 0807 - This variant has no previous evidence of pathogenicity. (I) 0905 - No published segregation evidence has been identified for this variant. (I) 1007 - No published functional evidence has been identified for this variant. (SP) Legend: (SP) - Supporting pathogenic, (I) - Information, (SB) - Supporting benign